The following is an entry in ClinVar:

NM_198503.5(KCNT2):c.2419A>G (p.Met807Val)

Gene: KCNT2 (potassium sodium-activated channel subfamily T member 2; minus strand). Cytogenetic location: 1q31.3.
Variant type: single nucleotide variant.
Coding change: c.2419A>G on transcript NM_198503.5 (MANE Select); coding-DNA position 2419, A replaced by G.
Protein change: p.Met807Val; replaces methionine 807 with valine.
Molecular consequence: missense variant. On other transcripts: non-coding transcript variant (2).
Genome position (GRCh38, 1-based): chr1:196,315,956, T>C on the plus strand (A>G on the coding strand, the complement: KCNT2 is on the minus strand). VCF-style: chr1-196315956-T-C. GRCh37 (hg19) VCF-style: chr1-196285086-T-C.
Other names: c.2419A>G (NM_198503.2); c.2347A>G, p.Met783Val (NM_001287819.3); c.2197A>G, p.Met733Val (NM_001287820.3); short protein forms M733V, M783V, M807V.
Identifiers: ClinVar variation 2428904 (VCV002428904.4), dbSNP rs1662672094, ClinGen allele CA343975777.
Genomic context (GRCh38, chr1:196,315,956, plus strand): 5'-AGAGTGTCTGCACGTTCACAATGGTTTTGGCATCTGCCATGTAGTCTTCCTCGGCACTCA[T>C]GGTGCTCTCTTTATCCACAACCACCATATTAGCAGCAAAAGTCACTCCACACCTGAGTAA-3'
Protein context (NP_940905.2, residues 797-817): NMVVVDKEST[Met807Val]SAEEDYMADA

ClinVar aggregate classification (germline): Uncertain significance. Review status: criteria provided, multiple submitters, no conflicts (2 of 4 stars). 2 submissions from 2 submitters: Uncertain significance (2). Last evaluated 2025-12-11.

Conditions:
Inborn genetic diseases. Identifiers: MedGen C0950123, MeSH D030342.

Allele frequency attached by ClinVar (database versions not stated): TOPMed 0.00001.

Submissions (2):

Ambry Genetics
Classification: Uncertain significance for Inborn genetic diseases. Last evaluated: 2025-12-11. Review status: criteria provided, single submitter. Criteria: Ambry Variant Classification Scheme 2023. Collection method: clinical testing. Allele origin: germline.

GeneDx
Classification: Uncertain significance. Last evaluated: 2022-07-31. Review status: criteria provided, single submitter. Criteria: GeneDx Variant Classification Process June 2021. Collection method: clinical testing. Allele origin: germline. Affected: yes.
Comment: Not observed at significant frequency in large population cohorts (gnomAD); In silico analysis supports that this missense variant does not alter protein structure/function; Has not been previously published as pathogenic or benign to our knowledge